The following is an entry in ClinVar:

ClinVar aggregate classification (germline): Uncertain significance (1 of 4 stars; one submission).

Conditions:
Hereditary cancer-predisposing syndrome. Also called: Tumor predisposition; Hereditary Cancer Syndrome; Hereditary neoplastic syndrome; Neoplastic Syndromes, Hereditary. Identifiers: Orphanet 140162, MedGen C0027672, MeSH D009386, MONDO:0015356.

Submission:

Ambry Genetics
Classification: Uncertain significance for Hereditary cancer-predisposing syndrome. Last evaluated: 2025-10-30. Review status: criteria provided, single submitter. Criteria: Ambry Variant Classification Scheme 2023. Collection method: clinical testing. Allele origin: germline.
Comment: The p.C11Y variant (also known as c.32G>A), located in coding exon 1 of the SDHD gene, results from a G to A substitution at nucleotide position 32. The cysteine at codon 11 is replaced by tyrosine, an amino acid with highly dissimilar properties. This amino acid position is conserved. In addition, this alteration is predicted to be deleterious by in silico analysis. Based on the available evidence, the clinical significance of this variant remains unclear.

NM_003002.4(SDHD):c.32G>A (p.Cys11Tyr)

Genes: SDHD (succinate dehydrogenase complex subunit D; plus strand), LOC126861339 (BRD4-independent group 4 enhancer GRCh37_chr11:111957035-111958234; plus strand). Cytogenetic location: 11q23.1.
Variant type: single nucleotide variant.
Coding change: c.32G>A on transcript NM_003002.4 (MANE Select); coding-DNA position 32, G replaced by A.
Protein change: p.Cys11Tyr; replaces cysteine 11 with tyrosine.
Molecular consequence: missense variant. On other transcripts: non-coding transcript variant (1).
Genome position (GRCh38, 1-based): chr11:112,086,939, G>A. VCF-style: chr11-112086939-G-A. GRCh37 (hg19) VCF-style: chr11-111957663-G-A.
Other names: c.32G>A, p.Cys11Tyr (NM_001276503.2, NM_001276504.2, NM_001276506.2); short protein forms C11Y.
Identifiers: ClinVar variation 4548427 (VCV004548427.1).